The following is an entry in ClinVar:

NM_000492.4(CFTR):c.2577A>C (p.Leu859Phe)

Gene: CFTR (CF transmembrane conductance regulator; plus strand). Cytogenetic location: 7q31.2.
Variant type: single nucleotide variant.
Coding change: c.2577A>C on transcript NM_000492.4 (MANE Select); coding-DNA position 2577, A replaced by C.
Protein change: p.Leu859Phe; replaces leucine 859 with phenylalanine.
Molecular consequence: missense variant.
Genome position (GRCh38, 1-based): chr7:117,595,016, A>C. VCF-style: chr7-117595016-A-C. GRCh37 (hg19) VCF-style: chr7-117235070-A-C.
Other names: short protein forms L859F.
Identifiers: ClinVar variation 4227398 (VCV004227398.1).

ClinVar aggregate classification (germline): Uncertain significance (1 of 4 stars; one submission).

Conditions:
Cystic fibrosis (CF). Also called: MUCOVISCIDOSIS. Identifiers: Orphanet 586, MedGen C0010674, MONDO:0009061, OMIM 219700. Disease mechanism: loss of function.

gnomAD v4.1: 2 of 1,613,020 alleles (0.00012%); highest among the groups gnomAD compares: Admixed American, 0.0017%; no homozygotes.

Submission:

Ambry Genetics
Classification: Uncertain significance for Cystic fibrosis. Last evaluated: 2025-07-03. Review status: criteria provided, single submitter. Criteria: Ambry Variant Classification Scheme 2023. Collection method: clinical testing. Allele origin: germline.
Comment: The p.L859F variant (also known as c.2577A>C), located in coding exon 15 of the CFTR gene, results from an A to C substitution at nucleotide position 2577. The leucine at codon 859 is replaced by phenylalanine, an amino acid with highly similar properties. This amino acid position is conserved. In addition, the in silico prediction for this alteration is inconclusive. Based on the available evidence, the clinical significance of this variant remains unclear.